The following is an entry in ClinVar:

NM_025150.5(TARS2):c.470C>T (p.Thr157Ile)

Gene: TARS2 (threonyl-tRNA synthetase 2, mitochondrial; plus strand). Cytogenetic location: 1q21.2.
Variant type: single nucleotide variant.
Coding change: c.470C>T on transcript NM_025150.5 (MANE Select); coding-DNA position 470, C replaced by T.
Protein change: p.Thr157Ile; replaces threonine 157 with isoleucine.
Molecular consequence: missense variant. On other transcripts: non-coding transcript variant (1).
Genome position (GRCh38, 1-based): chr1:150,490,683, C>T. VCF-style: chr1-150490683-C-T. GRCh37 (hg19) VCF-style: chr1-150463159-C-T.
Other names: p.Thr157Ile; c.470C>T, p.Thr157Ile (NM_001271895.2, NM_001271896.2); c.470C>T (NM_025150.4); short protein forms T157I.
Identifiers: ClinVar variation 1992418 (VCV001992418.3), dbSNP rs758088548, ClinGen allele CA342320137.

ClinVar aggregate classification (germline): Uncertain significance. Review status: criteria provided, single submitter (1 of 4 stars). 3 submissions from 3 submitters: Uncertain significance (1). 2 of the submissions do not count toward it. Last evaluated 2025-05-27.

Conditions:
Combined oxidative phosphorylation defect type 21. Also called: Combined oxidative phosphorylation deficiency 21. Identifiers: Orphanet 420733, MedGen C4706316, MONDO:0014398, OMIM 615918.
TARS2-related disorder. Also called: TARS2-related condition.

Submissions (3):

Costain lab, The Hospital for Sick Children
Classification: Uncertain significance for Combined oxidative phosphorylation defect type 21. Last evaluated: 2025-05-27. Review status: criteria provided, single submitter. Criteria: ACMG Guidelines, 2015. Collection method: clinical testing. Allele origin: germline. Inheritance: Autosomal recessive inheritance. Affected: yes.
Comment: Compound heterozygous with other missense variant (p.Thr496Ile); Absent in GnomAD (PM2); in silico: 3/3 predicted benign (BP4); ClinVar: VUS (2023: Houlden lab); HGMD: not reported. Other: reported as homozygous in one patient (Accogli et al. (2023) PMID: 37454282) (PM3_P), missense variant as the same residue (p.Thr157Arg) has been reported comp het to p.Glu715Lys in patient with COXPD21 (Li et al. (2020) PMID: 33153448) and comp het to p.Arg684Gln in another patient (He et al. (2023) PMID: 36218002).

PreventionGenetics, part of Exact Sciences
Classification: Uncertain significance for TARS2-related condition. Last evaluated: 2024-09-04. Review status: no assertion criteria provided. Collection method: clinical testing. Allele origin: germline. Not counted in ClinVar's aggregate classification.
Comment: The TARS2 c.470C>T variant is predicted to result in the amino acid substitution p.Thr157Ile. This variant has been reported in the homozygous state in an individual with TARS2-related disorder (Accogli et al. 2023. PubMed ID: 37454282). This variant has not been reported in a large population database, indicating it is rare. An alternate missense substitution affecting the same amino acid (p.Thr157Arg) has been reported in the compound heterozygous state in two individuals with TARS2-related disorder (Accogli et al. 2023. PubMed ID: 37454282). At this time, the clinical significance of the c.470C>T (p.Thr157Ile) variant is uncertain due to the absence of conclusive functional and genetic evidence.

Houlden Lab, UCL Institute of Neurology
Classification: Uncertain significance for Combined oxidative phosphorylation defect type 21. Review status: no assertion criteria provided. Collection method: research. Allele origin: germline. Affected: yes. Not counted in ClinVar's aggregate classification.